The following is an entry in ClinVar:

NM_014679.5(CEP57):c.58G>C (p.Glu20Gln)

Gene: CEP57 (centrosomal protein 57; plus strand). Cytogenetic location: 11q21.
Variant type: single nucleotide variant.
Coding change: c.58G>C on transcript NM_014679.5 (MANE Select); coding-DNA position 58, G replaced by C.
Protein change: p.Glu20Gln; replaces glutamic acid 20 with glutamine.
Molecular consequence: missense variant. On other transcripts: 5 prime UTR variant (7).
Genome position (GRCh38, 1-based): chr11:95,799,244, G>C. VCF-style: chr11-95799244-G-C. GRCh37 (hg19) VCF-style: chr11-95532408-G-C.
Other names: c.31G>C, p.Glu11Gln (NM_001243776.2); c.58G>C, p.Glu20Gln (NM_001243777.2, NM_001440871.1, NM_001440872.1 and 6 more transcripts); c.-24G>C (NM_001363604.2, NM_001440869.1, NM_001440870.1 and 4 more transcripts); short protein forms E11Q, E20Q.
Identifiers: ClinVar variation 4226372 (VCV004226372.1).
Genomic context (GRCh38, chr11:95,799,244, plus strand): 5'-ATTTGTGGTTCACACTTTTGAAAGGTAATTTGTGTCTTTATTTTTTAGAACAGCTTTGCT[G>C]AGCCATCAAGGTCTAATGGAAGCATGGTTCGGCATTCTTCATCTCCATATGTAGTATATC-3'
Protein context (NP_055494.2, residues 10-30): SGSHLSNSFA[Glu20Gln]PSRSNGSMVR

ClinVar aggregate classification (germline): Uncertain significance (1 of 4 stars; one submission).

Conditions:
Inborn genetic diseases. Identifiers: MedGen C0950123, MeSH D030342.

Submission:

Ambry Genetics
Classification: Uncertain significance for Inborn genetic diseases. Last evaluated: 2025-08-08. Review status: criteria provided, single submitter. Criteria: Ambry Variant Classification Scheme 2023. Collection method: clinical testing. Allele origin: germline.
Comment: The p.E20Q variant (also known as c.58G>C), located in coding exon 2 of the CEP57 gene, results from a G to C substitution at nucleotide position 58. The glutamic acid at codon 20 is replaced by glutamine, an amino acid with highly similar properties. This amino acid position is conserved. In addition, this alteration is predicted to be tolerated by in silico analysis. Based on the available evidence, the clinical significance of this variant remains unclear.